The following is an entry in ClinVar:

NM_152701.5(ABCA13):c.1499C>T (p.Ala500Val)

Genes: ABCA13 (ATP binding cassette subfamily A member 13; plus strand), LOC126860027 (CDK7 strongly-dependent group 2 enhancer GRCh37_chr7:48284398-48285597; plus strand). Cytogenetic location: 7p12.3.
Variant type: single nucleotide variant.
Coding change: c.1499C>T on transcript NM_152701.5 (MANE Select); coding-DNA position 1499, C replaced by T.
Protein change: p.Ala500Val; replaces alanine 500 with valine.
Molecular consequence: missense variant.
Genome position (GRCh38, 1-based): chr7:48,245,870, C>T. VCF-style: chr7-48245870-C-T. GRCh37 (hg19) VCF-style: chr7-48285467-C-T.
Other names: c.1499C>T (NM_152701.4); short protein forms A500V.
Identifiers: ClinVar variation 2657467 (VCV002657467.25), dbSNP rs200226711, ClinGen allele CA4256442.
Genomic context (GRCh38, chr7:48,245,870, plus strand): 5'-GGTATCTAAGCCTCTTTAAATGTTACTCCTTCCCACTCTTATTAATCTTTTAGATGTTGG[C>T]GAAGAATGCTGTCTGCCCGAATGGTCGTTTCTCTGAGAAGGAGGTCTTTTTGCCGCCTGG-3'
Protein context (NP_689914.3, residues 490-510): VFFWELKQML[Ala500Val]KNAVCPNGRF

ClinVar aggregate classification (germline): Benign. Review status: criteria provided, single submitter (1 of 4 stars). 2 submissions from 2 submitters: Benign (1). 1 of the submissions does not count toward it. Last evaluated 2022-05-01.

Conditions:
ABCA13-related disorder. Also called: ABCA13-related condition.

Allele frequency attached by ClinVar (database versions not stated): gnomAD exomes 0.00009; 1000 Genomes Project 0.00020; 1000 Genomes Project 30x 0.00031; ExAC 0.00040; gnomAD 0.00086; ESP Exome Variant Server 0.00176.
gnomAD v4.1: 268 of 1,610,330 alleles (0.017%); highest among the groups gnomAD compares: African/African-American, 0.31%; no homozygotes.

Submissions (2):

CeGaT Center for Human Genetics Tuebingen
Classification: Benign. Last evaluated: 2022-05-01. Review status: criteria provided, single submitter. Criteria: CeGaT Center For Human Genetics Tuebingen Variant Classification Criteria Version 2. Collection method: clinical testing. Allele origin: germline. Affected: yes. Observed: 1 variant allele.
Comment: ABCA13: BS1, BS2

PreventionGenetics, part of Exact Sciences
Classification: Likely benign for ABCA13-related condition. Last evaluated: 2021-09-03. Review status: no assertion criteria provided. Collection method: clinical testing. Allele origin: germline. Not counted in ClinVar's aggregate classification.
Comment: This variant is classified as likely benign based on ACMG/AMP sequence variant interpretation guidelines (Richards et al. 2015 PMID: 25741868, with internal and published modifications).